The following is an entry in ClinVar:

ClinVar aggregate classification (germline): Pathogenic (1 of 4 stars; one submission).

Conditions:
Hereditary cancer-predisposing syndrome. Also called: Neoplastic Syndromes, Hereditary; Tumor predisposition; Hereditary Cancer Syndrome; Hereditary neoplastic syndrome. Identifiers: Orphanet 140162, MedGen C0027672, MeSH D009386, MONDO:0015356.

Submission:

Ambry Genetics
Classification: Pathogenic for Hereditary cancer-predisposing syndrome. Last evaluated: 2015-07-17. Review status: criteria provided, single submitter. Criteria: Ambry Variant Classification Scheme 2023. Collection method: clinical testing. Allele origin: germline.
Comment: The p.S107* pathogenic mutation (also known as c.320C>A) located in coding exon 5 of the MAX gene, results from a C to A substitution at nucleotide position 320. This changes the amino acid from a serine to a stop codon within coding exon 5. Since premature stop codons are typically deleterious in nature, this alteration is interpreted as a disease-causing mutation (ACMG Recommendations for Standards for Interpretation and Reporting of Sequence Variations. Revision 2007. Genet Med. 2008;10:294).

NM_002382.5(MAX):c.320C>A (p.Ser107Ter)

Gene: MAX (MYC associated transcriptional regulator X; minus strand). Cytogenetic location: 14q23.3.
Variant type: single nucleotide variant.
Coding change: c.320C>A on transcript NM_002382.5 (MANE Select); coding-DNA position 320, C replaced by A.
Protein change: p.Ser107Ter; replaces serine 107 with a stop codon.
Molecular consequence: nonsense. On other transcripts: 3 prime UTR variant (1), intron variant (2).
Genome position (GRCh38, 1-based): chr14:65,076,639, G>T on the plus strand (C>A on the coding strand, the complement: MAX is on the minus strand). VCF-style: chr14-65076639-G-T. GRCh37 (hg19) VCF-style: chr14-65543357-G-T.
Other names: c.131C>A, p.Ser44Ter (NM_001320415.2, NM_001407105.1, NM_001407106.1 and 1 more transcripts); c.320C>A, p.Ser107Ter (NM_001407094.1); c.293C>A, p.Ser98Ter (NM_001407095.1, NM_145112.3); c.*93C>A (NM_001407096.1, NM_001407099.1, NM_001407102.1 and 2 more transcripts); c.*109C>A (NM_001407097.1, NM_001407100.1, NM_001407101.1 and 4 more transcripts); c.212C>A, p.Ser71Ter (NM_001407098.1); c.119C>A, p.Ser40Ter (NM_001407111.1, NM_001407112.1); c.144+17069C>A (NM_001271069.2); and 1 more; short protein forms S107*, S98*, S44*, S40*, S71*.
Identifiers: ClinVar variation 232919 (VCV000232919.6), dbSNP rs876660073, ClinGen allele CA10579865.
Genomic context (GRCh38, chr14:65,076,639, plus strand): 5'-TTGGCGTTGGTGTAGAGGCTGTTGTCTGAGGAGGGGTAGTTGGTCTGCAGTTGGGCACTT[G>T]ACCTCGCCTTCTCCAGTGCACGGACTAAAAGGCAACCAAGGGAGTGTGTTACTGCCTTCT-3'